The following is an entry in ClinVar:

ClinVar aggregate classification (germline): Uncertain significance. Review status: criteria provided, multiple submitters, no conflicts (2 of 4 stars). 4 submissions from 4 submitters: Uncertain significance (4). Last evaluated 2025-08-18.

Conditions:
Inborn genetic diseases. Identifiers: MedGen C0950123, MeSH D030342.
Mitochondrial complex IV deficiency, nuclear type 7. Also called: Mitochondrial complex 4 deficiency, nuclear type 7. Identifiers: MedGen C5436685, MONDO:0033637, OMIM 619051.

Allele frequency attached by ClinVar (database versions not stated): gnomAD exomes 0.00001; ExAC 0.00002; TOPMed 0.00002.
gnomAD v4.1: 15 of 1,614,160 alleles (0.00093%); highest among the groups gnomAD compares: Non-Finnish European, 0.0013%; no homozygotes.

Submissions (4):

Labcorp Genetics (formerly Invitae), Labcorp
Classification: Uncertain significance. Last evaluated: 2025-08-18. Review status: criteria provided, single submitter. Criteria: Invitae Variant Classification Sherloc (09022015). Collection method: clinical testing. Allele origin: germline.
Comment: This sequence change replaces valine, which is neutral and non-polar, with methionine, which is neutral and non-polar, at codon 53 of the COX6B1 protein (p.Val53Met). This variant is present in population databases (rs201223537, gnomAD 0.003%). This variant has not been reported in the literature in individuals affected with COX6B1-related conditions. ClinVar contains an entry for this variant (Variation ID: 1356406). An algorithm developed to predict the effect of missense changes on protein structure and function (PolyPhen-2) suggests that this variant is likely to be tolerated. In summary, the available evidence is currently insufficient to determine the role of this variant in disease. Therefore, it has been classified as a Variant of Uncertain Significance.

GeneDx
Classification: Uncertain significance. Last evaluated: 2025-06-25. Review status: criteria provided, single submitter. Criteria: GeneDx Variant Classification Process June 2021. Collection method: clinical testing. Allele origin: germline. Affected: yes.
Comment: Not observed at significant frequency in large population cohorts (gnomAD); In silico analysis suggests that this missense variant does not alter protein structure/function; Has not been previously published as pathogenic or benign to our knowledge

Ambry Genetics
Classification: Uncertain significance for Inborn genetic diseases. Last evaluated: 2024-08-27. Review status: criteria provided, single submitter. Criteria: Ambry Variant Classification Scheme 2023. Collection method: clinical testing. Allele origin: germline.

Fulgent Genetics
Classification: Uncertain significance for Mitochondrial complex IV deficiency, nuclear type 7. Last evaluated: 2022-02-04. Review status: criteria provided, single submitter. Criteria: ACMG Guidelines, 2015. Collection method: clinical testing. Allele origin: unknown.

NM_001863.5(COX6B1):c.157G>A (p.Val53Met)

Gene: COX6B1 (cytochrome c oxidase subunit 6B1; plus strand). Cytogenetic location: 19q13.12.
Variant type: single nucleotide variant.
Coding change: c.157G>A on transcript NM_001863.5 (MANE Select); coding-DNA position 157, G replaced by A.
Protein change: p.Val53Met; replaces valine 53 with methionine.
Molecular consequence: missense variant.
Genome position (GRCh38, 1-based): chr19:35,654,621, G>A. VCF-style: chr19-35654621-G-A. GRCh37 (hg19) VCF-style: chr19-36145523-G-A.
Other names: c.157G>A (NM_001863.4); short protein forms V53M.
Identifiers: ClinVar variation 1356406 (VCV001356406.9), dbSNP rs201223537, ClinGen allele CA9383155.